The following is an entry in ClinVar:

ClinVar aggregate classification (germline): Uncertain significance (1 of 4 stars; one submission).

Submission:

Labcorp Genetics (formerly Invitae), Labcorp
Classification: Uncertain significance. Last evaluated: 2021-12-22. Review status: criteria provided, single submitter. Criteria: Invitae Variant Classification Sherloc (09022015). Collection method: clinical testing. Allele origin: germline.
Comment: In summary, the available evidence is currently insufficient to determine the role of this variant in disease. Therefore, it has been classified as a Variant of Uncertain Significance. Advanced modeling of protein sequence and biophysical properties (such as structural, functional, and spatial information, amino acid conservation, physicochemical variation, residue mobility, and thermodynamic stability) performed at Invitae indicates that this missense variant is not expected to disrupt CLCN7 protein function. This variant has not been reported in the literature in individuals affected with CLCN7-related conditions. This variant is not present in population databases (gnomAD no frequency). This sequence change replaces asparagine, which is neutral and polar, with serine, which is neutral and polar, at codon 101 of the CLCN7 protein (p.Asn101Ser).

NM_001287.6(CLCN7):c.302A>G (p.Asn101Ser)

Gene: CLCN7 (chloride voltage-gated channel 7; minus strand). Cytogenetic location: 16p13.3.
Variant type: single nucleotide variant.
Coding change: c.302A>G on transcript NM_001287.6 (MANE Select); coding-DNA position 302, A replaced by G.
Protein change: p.Asn101Ser; replaces asparagine 101 with serine.
Molecular consequence: missense variant.
Genome position (GRCh38, 1-based): chr16:1,461,454, T>C on the plus strand (A>G on the coding strand, the complement: CLCN7 is on the minus strand). VCF-style: chr16-1461454-T-C. GRCh37 (hg19) VCF-style: chr16-1511455-T-C.
Other names: c.230A>G, p.Asn77Ser (NM_001114331.3); short protein forms N101S, N77S.
Identifiers: ClinVar variation 2053295 (VCV002053295.4), dbSNP rs2505847328, ClinGen allele CA394192994.
Genomic context (GRCh38, chr16:1,461,454, plus strand): 5'-GTCCAGCTCACCGTGTGATTGATCCGCCGCTCCTCCTCCAGGAACAGCTGGTTCTCACTG[T>C]TGTCATAGTCCAAGCTCTGCAGGCCGGGACAGCAAGGGCAGCACTCAGCACCGAACCCAC-3'
Protein context (NP_001278.1, residues 91-111): SLKYESLDYD[Asn101Ser]SENQLFLEEE